The following is an entry in ClinVar:

ClinVar aggregate classification (germline): Uncertain significance (1 of 4 stars; one submission).

gnomAD v4.1: 2 of 1,614,204 alleles (0.00012%); highest among the groups gnomAD compares: East Asian, 0.0045%; no homozygotes.

Submission:

GeneDx
Classification: Uncertain significance. Last evaluated: 2025-03-04. Review status: criteria provided, single submitter. Criteria: GeneDx Variant Classification Process June 2021. Collection method: clinical testing. Allele origin: germline. Affected: yes.
Comment: Not observed at significant frequency in large population cohorts (gnomAD); In silico analysis supports that this missense variant has a deleterious effect on protein structure/function; Has not been previously published as pathogenic or benign to our knowledge

NM_025137.4(SPG11):c.4331T>G (p.Ile1444Ser)

Gene: SPG11 (SPG11 vesicle trafficking associated, spatacsin; minus strand). Cytogenetic location: 15q21.1.
Variant type: single nucleotide variant.
Coding change: c.4331T>G on transcript NM_025137.4 (MANE Select); coding-DNA position 4331, T replaced by G.
Protein change: p.Ile1444Ser; replaces isoleucine 1444 with serine.
Molecular consequence: missense variant.
Genome position (GRCh38, 1-based): chr15:44,596,186, A>C on the plus strand (T>G on the coding strand, the complement: SPG11 is on the minus strand). VCF-style: chr15-44596186-A-C. GRCh37 (hg19) VCF-style: chr15-44888384-A-C.
Other names: c.4331T>G, p.Ile1444Ser (NM_001160227.2, NM_001411132.1); short protein forms I1444S.
Identifiers: ClinVar variation 4082899 (VCV004082899.1).